The following is an entry in ClinVar:

NM_016579.4(CD320):c.256GAG[4] (p.Glu88_Cys89insGlu)

Gene: CD320 (CD320 molecule; minus strand). Cytogenetic location: 19p13.2.
Variant type: Microsatellite.
Coding change: c.256GAG[4] on transcript NM_016579.4 (MANE Select); four copies in a row of the 3-base unit GAG starting at c.256; the reference has three copies in a row; one copy, 3 bases duplicated.
Protein change: p.Glu88_Cys89insGlu.
Molecular consequence: intron variant (on NM_001165895.2).
Genome position (GRCh38, 1-based): chr19:8,305,035-8,305,037, CTC duplicated on the plus strand (GAG on the coding strand, the reverse complement: CD320 is on the minus strand); duplicating any 3 consecutive bases within chr19:8,305,035-8,305,043 gives the same sequence; the position shown is the placement nearest the transcript's 3' end. VCF-style (leftmost placement, unchanged base first): chr19-8305034-A-ACTC. GRCh37 (hg19) VCF-style: chr19-8369918-A-ACTC.
Other names: c.143-955GAG[4] (NM_001165895.2).
Identifiers: ClinVar variation 3647005 (VCV003647005.2).

ClinVar aggregate classification (germline): Uncertain significance (1 of 4 stars; one submission).

Conditions:
Methylmalonic acidemia due to transcobalamin receptor defect (MATR). Also called: METHYLMALONIC ACIDURIA, TRANSIENT, DUE TO TRANSCOBALAMIN RECEPTOR DEFECT; METHYLMALONIC ACIDEMIA, TCblR TYPE. Identifiers: Orphanet 280183, MedGen C4749905, MONDO:0013341, OMIM 613646.

Submission:

Labcorp Genetics (formerly Invitae), Labcorp
Classification: Uncertain significance for Methylmalonic acidemia due to transcobalamin receptor defect. Last evaluated: 2024-03-20. Review status: criteria provided, single submitter. Criteria: Invitae Variant Classification Sherloc (09022015). Collection method: clinical testing. Allele origin: germline.
Comment: This variant, c.262_264dup, results in the insertion of 1 amino acid(s) of the CD320 protein (p.Glu88dup), but otherwise preserves the integrity of the reading frame. This variant is not present in population databases (gnomAD no frequency). This variant has not been reported in the literature in individuals affected with CD320-related conditions. Experimental studies and prediction algorithms are not available or were not evaluated, and the functional significance of this variant is currently unknown. In summary, the available evidence is currently insufficient to determine the role of this variant in disease. Therefore, it has been classified as a Variant of Uncertain Significance.